The following is an entry in ClinVar:

NM_005476.7(GNE):c.1634-117A>G

Gene: GNE (glucosamine (UDP-N-acetyl)-2-epimerase/N-acetylmannosamine kinase; minus strand). Cytogenetic location: 9p13.3.
Variant type: single nucleotide variant.
Coding change: c.1634-117A>G on transcript NM_005476.7 (MANE Select); 117 bases into the intron before coding-DNA position 1634, A replaced by G.
Molecular consequence: intron variant.
Genome position (GRCh38, 1-based): chr9:36,220,137, T>C on the plus strand (A>G on the coding strand, the complement: GNE is on the minus strand). VCF-style: chr9-36220137-T-C. GRCh37 (hg19) VCF-style: chr9-36220134-T-C.
Other names: c.1457-117A>G (NM_001190388.2, NM_001374798.1); c.1727-117A>G (NM_001128227.3); c.1304-117A>G (NM_001190384.3); c.1481-117A>G (NM_001374797.1); c.1412-117A>G (NM_001190383.3).
Identifiers: ClinVar variation 681839 (VCV000681839.1), dbSNP rs2296818, ClinGen allele CA192841550.

ClinVar aggregate classification (germline): Benign (1 of 4 stars; one submission).

Allele frequency attached by ClinVar (database versions not stated): gnomAD exomes 0.07871; gnomAD 0.09084 and 0.09411; TOPMed 0.09944; 1000 Genomes Project 0.13359; 1000 Genomes Project 30x 0.13570.
gnomAD v4.1: 69,145 of 841,976 alleles (8.2%); highest among the groups gnomAD compares: South Asian, 17%; 4,064 homozygotes.

Submission:

GeneDx
Classification: Benign. Last evaluated: 2018-06-14. Review status: criteria provided, single submitter. Criteria: GeneDx Variant Classification (06012015). Collection method: clinical testing. Allele origin: germline. Affected: yes.
Comment: This variant is considered likely benign or benign based on one or more of the following criteria: it is a conservative change, it occurs at a poorly conserved position in the protein, it is predicted to be benign by multiple in silico algorithms, and/or has population frequency not consistent with disease.